The following is an entry in ClinVar:

NM_000238.4(KCNH2):c.3401G>A (p.Arg1134Gln)

Gene: KCNH2 (potassium voltage-gated channel subfamily H member 2; minus strand). Cytogenetic location: 7q36.1.
Variant type: single nucleotide variant.
Coding change: c.3401G>A on transcript NM_000238.4 (MANE Select); coding-DNA position 3401, G replaced by A.
Protein change: p.Arg1134Gln; replaces arginine 1134 with glutamine.
Molecular consequence: missense variant. On other transcripts: non-coding transcript variant (2).
Genome position (GRCh38, 1-based): chr7:150,945,444, C>T on the plus strand (G>A on the coding strand, the complement: KCNH2 is on the minus strand). VCF-style: chr7-150945444-C-T. GRCh37 (hg19) VCF-style: chr7-150642532-C-T.
Other names: c.3113G>A, p.Arg1038Gln (NM_001406753.1); c.2381G>A, p.Arg794Gln (NM_172057.3); short protein forms R1038Q, R1134Q, R794Q.
Identifiers: ClinVar variation 3386877 (VCV003386877.1).

ClinVar aggregate classification (germline): Uncertain significance (1 of 4 stars; one submission).

Conditions:
Long QT syndrome (LQTS). Identifiers: MedGen C0023976, MeSH D008133, MONDO:0002442. Disease mechanism: loss of function. Inheritance: Various modes of inheritance.

Submission:

All of Us Research Program, National Institutes of Health
Classification: Uncertain significance for Long QT syndrome. Last evaluated: 2024-03-05. Review status: criteria provided, single submitter. Criteria: ACMG Guidelines, 2015. Collection method: clinical testing. Allele origin: germline. Inheritance: Autosomal dominant inheritance. Observed: 1 variant allele, 1 heterozygote.
Comment: This study involves interpretation of variants in research participants for the purpose of population health screening. Participant phenotype was not available at the time of variant classification. Additional details can be found in publication PMID: 35346344, PMCID: PMC8962531